The following is an entry in ClinVar:

ClinVar aggregate classification (germline): Uncertain significance. Review status: criteria provided, multiple submitters, no conflicts (2 of 4 stars). 2 submissions from 2 submitters: Uncertain significance (2). Last evaluated 2025-04-30.

Allele frequency attached by ClinVar (database versions not stated): ExAC 0.00002; gnomAD 0.00003; TOPMed 0.00003; ESP Exome Variant Server 0.00008.
gnomAD v4.1: 23 of 1,614,002 alleles (0.0014%); highest among the groups gnomAD compares: African/African-American, 0.0027%; no homozygotes.

Submissions (2):

Labcorp Genetics (formerly Invitae), Labcorp
Classification: Uncertain significance. Last evaluated: 2025-04-30. Review status: criteria provided, single submitter. Criteria: Invitae Variant Classification Sherloc (09022015). Collection method: clinical testing. Allele origin: germline.
Comment: This sequence change replaces alanine, which is neutral and non-polar, with valine, which is neutral and non-polar, at codon 371 of the DLL1 protein (p.Ala371Val). This variant is present in population databases (rs148635497, gnomAD 0.003%). This variant has not been reported in the literature in individuals affected with DLL1-related conditions. ClinVar contains an entry for this variant (Variation ID: 1907929). An algorithm developed to predict the effect of missense changes on protein structure and function (PolyPhen-2) suggests that this variant is likely to be disruptive. In summary, the available evidence is currently insufficient to determine the role of this variant in disease. Therefore, it has been classified as a Variant of Uncertain Significance.

Centre of Medical Genetics, University Hospital Muenster
Classification: Uncertain significance. Last evaluated: 2022-11-29. Review status: criteria provided, single submitter. Criteria: ACMG Guidelines, 2015. Collection method: clinical testing. Allele origin: unknown. Affected: yes. Observed: 1 variant allele, 1 heterozygote.
Comment: ACMG categories: PM1,PM2,BP1

NM_005618.4(DLL1):c.1112C>T (p.Ala371Val)

Gene: DLL1 (delta like canonical Notch ligand 1; minus strand). Cytogenetic location: 6q27.
Variant type: single nucleotide variant.
Coding change: c.1112C>T on transcript NM_005618.4 (MANE Select); coding-DNA position 1112, C replaced by T.
Protein change: p.Ala371Val; replaces alanine 371 with valine.
Molecular consequence: missense variant.
Genome position (GRCh38, 1-based): chr6:170,285,056, G>A on the plus strand (C>T on the coding strand, the complement: DLL1 is on the minus strand). VCF-style: chr6-170285056-G-A. GRCh37 (hg19) VCF-style: chr6-170594144-G-A.
Other names: short protein forms A371V.
Identifiers: ClinVar variation 1907929 (VCV001907929.7), dbSNP rs148635497, ClinGen allele CA4106925.
Genomic context (GRCh38, chr6:170,285,056, plus strand): 5'-CAGCTGTACCCTCCATCGGGGCTGTCTGAGCACCGACCCCCGTTAAAGCAAGGGCCGTCC[G>A]CACAGGTCATGGCACTCAATTCACAGATTTTGCCGTAGAAGCCGGGTGGGCAGGTACAGG-3'
Protein context (NP_005609.3, residues 361-381): KICELSAMTC[Ala371Val]DGPCFNGGRC